The following is an entry in ClinVar:

ClinVar aggregate classification (germline): Uncertain significance. Review status: criteria provided, multiple submitters, no conflicts (2 of 4 stars). 2 submissions from 2 submitters: Uncertain significance (2). Last evaluated 2024-12-02.

Conditions:
Inborn genetic diseases. Identifiers: MedGen C0950123, MeSH D030342.
Nemaline myopathy 2 (NEM2). Also called: Nemaline myopathy 2, autosomal recessive. Identifiers: MedGen C1850569, MONDO:0009725, OMIM 256030.

Allele frequency attached by ClinVar (database versions not stated): gnomAD exomes below 0.00001; ExAC 0.00002.
gnomAD v4.1: 4 of 1,612,534 alleles (0.00025%); highest among the groups gnomAD compares: Admixed American, 0.005%; no homozygotes.

Submissions (2):

Ambry Genetics
Classification: Uncertain significance for Inborn genetic diseases. Last evaluated: 2024-12-02. Review status: criteria provided, single submitter. Criteria: Ambry Variant Classification Scheme 2023. Collection method: clinical testing. Allele origin: germline.

Labcorp Genetics (formerly Invitae), Labcorp
Classification: Uncertain significance for Nemaline myopathy 2. Last evaluated: 2022-02-05. Review status: criteria provided, single submitter. Criteria: Invitae Variant Classification Sherloc (09022015). Collection method: clinical testing. Allele origin: germline.
Comment: This sequence change replaces lysine, which is basic and polar, with glutamic acid, which is acidic and polar, at codon 2800 of the NEB protein (p.Lys2800Glu). This variant is present in population databases (rs754326721, gnomAD 0.009%). This variant has not been reported in the literature in individuals affected with NEB-related conditions. Algorithms developed to predict the effect of missense changes on protein structure and function are either unavailable or do not agree on the potential impact of this missense change (SIFT: "Deleterious"; PolyPhen-2: "Not Available"; Align-GVGD: "Class C0"). In summary, the available evidence is currently insufficient to determine the role of this variant in disease. Therefore, it has been classified as a Variant of Uncertain Significance.

NM_001164508.2(NEB):c.8398A>G (p.Lys2800Glu)

Gene: NEB (nebulin; minus strand). Cytogenetic location: 2q23.3.
Variant type: single nucleotide variant.
Coding change: c.8398A>G on transcript NM_001164508.2 (MANE Select); coding-DNA position 8398, A replaced by G.
Protein change: p.Lys2800Glu; replaces lysine 2800 with glutamic acid.
Molecular consequence: missense variant.
Genome position (GRCh38, 1-based): chr2:151,640,642, T>C on the plus strand (A>G on the coding strand, the complement: NEB is on the minus strand). VCF-style: chr2-151640642-T-C. GRCh37 (hg19) VCF-style: chr2-152497156-T-C.
Other names: c.8398A>G, p.Lys2800Glu (NM_001164507.2, NM_001271208.2, NM_004543.5); c.8398A>G (NM_004543.4); short protein forms K2800E.
Identifiers: ClinVar variation 2142645 (VCV002142645.2), dbSNP rs754326721, ClinGen allele CA1909591.